The following is an entry in ClinVar:

NM_018406.7(MUC4):c.2127G>A (p.Pro709=)

Gene: MUC4 (mucin 4, cell surface associated). Cytogenetic location: 3q29.
Variant type: single nucleotide variant.
Coding change: c.2127G>A on transcript NM_018406.7 (MANE Select); coding-DNA position 2127, G replaced by A.
Protein change: p.Pro709=; no amino-acid change (proline 709 retained).
Molecular consequence: synonymous variant. On other transcripts: genic upstream transcript variant (2).
Genome position (GRCh38, 1-based): chr3:195,789,453, C>T on the plus strand (G>A on the coding strand, the complement: MUC4 is on the minus strand). VCF-style: chr3-195789453-C-T. GRCh37 (hg19) VCF-style: chr3-195516324-C-T.
Other names: c.2142G>A, p.Pro714= (NM_001322468.1); c.83-15148G>A (NM_138297.5); c.83-10998G>A (NM_004532.6).
Identifiers: ClinVar variation 2654490 (VCV002654490.24), dbSNP rs746341731, ClinGen allele CA2775151.

ClinVar aggregate classification (germline): Likely benign (1 of 4 stars; one submission).

Allele frequency attached by ClinVar (database versions not stated): gnomAD 0.00001; TOPMed 0.00001; ExAC 0.00002.

Submission:

CeGaT Center for Human Genetics Tuebingen
Classification: Likely benign. Last evaluated: 2022-07-01. Review status: criteria provided, single submitter. Criteria: CeGaT Center For Human Genetics Tuebingen Variant Classification Criteria Version 2. Collection method: clinical testing. Allele origin: germline. Affected: yes. Observed: 1 variant allele.
Comment: MUC4: BP4, BP7